The following is an entry in ClinVar:

NM_005918.4(MDH2):c.494A>G (p.Lys165Arg)

Gene: MDH2 (malate dehydrogenase 2; plus strand). Cytogenetic location: 7q11.23.
Variant type: single nucleotide variant.
Coding change: c.494A>G on transcript NM_005918.4 (MANE Select); coding-DNA position 494, A replaced by G.
Protein change: p.Lys165Arg; replaces lysine 165 with arginine.
Molecular consequence: missense variant. On other transcripts: intron variant (1).
Genome position (GRCh38, 1-based): chr7:76,060,437, A>G. VCF-style: chr7-76060437-A-G. GRCh37 (hg19) VCF-style: chr7-75689755-A-G.
Other names: c.173A>G, p.Lys58Arg (NM_001282404.2); c.429+2359A>G (NM_001282403.2); short protein forms K58R, K165R.
Identifiers: ClinVar variation 1744308 (VCV001744308.3), dbSNP rs781882469, ClinGen allele CA4305560.

ClinVar aggregate classification (germline): Uncertain significance (1 of 4 stars; one submission).

Conditions:
Inborn genetic diseases. Identifiers: MedGen C0950123, MeSH D030342.

Allele frequency attached by ClinVar (database versions not stated): gnomAD exomes below 0.00001; gnomAD 0.00001; TOPMed 0.00001; ExAC 0.00002.
gnomAD v4.1: 6 of 1,613,930 alleles (0.00037%); highest among the groups gnomAD compares: African/African-American, 0.004%; no homozygotes.

Submission:

Ambry Genetics
Classification: Uncertain significance for Inborn genetic diseases. Last evaluated: 2024-04-01. Review status: criteria provided, single submitter. Criteria: Ambry Variant Classification Scheme 2023. Collection method: clinical testing. Allele origin: germline.
Comment: The p.K165R variant (also known as c.494A>G), located in coding exon 5 of the MDH2 gene, results from an A to G substitution at nucleotide position 494. The lysine at codon 165 is replaced by arginine, an amino acid with highly similar properties. This amino acid position is conserved. In addition, this alteration is predicted to be tolerated by in silico analysis. Since supporting evidence is limited at this time, the clinical significance of this alteration remains unclear.